The following is an entry in ClinVar:

NM_021969.3(NR0B2):c.101G>C (p.Arg34Pro)

Genes: NR0B2 (nuclear receptor subfamily 0 group B member 2; minus strand), NUDC (nuclear distribution C, dynein complex regulator; plus strand). Cytogenetic location: 1p36.11.
Variant type: single nucleotide variant.
Coding change: c.101G>C on transcript NM_021969.3 (MANE Select); coding-DNA position 101, G replaced by C.
Protein change: p.Arg34Pro; replaces arginine 34 with proline.
Molecular consequence: missense variant.
Genome position (GRCh38, 1-based): chr1:26,913,840, C>G on the plus strand (G>C on the coding strand, the complement: NR0B2 is on the minus strand). VCF-style: chr1-26913840-C-G. GRCh37 (hg19) VCF-style: chr1-27240331-C-G.
Other names: short protein forms R34P.
Identifiers: ClinVar variation 2628653 (VCV002628653.1), dbSNP rs759817886, ClinGen allele CA709733.

ClinVar aggregate classification (germline): Uncertain significance (1 of 4 stars; one submission).

Conditions:
NR0B2-related disorder. Also called: NR0B2-related condition.

Submission:

PreventionGenetics, part of Exact Sciences
Classification: Uncertain significance for NR0B2-related condition. Last evaluated: 2022-11-10. Review status: criteria provided, single submitter. Criteria: ACMG Guidelines, 2015. Collection method: clinical testing. Allele origin: germline.
Comment: The NR0B2 c.101G>C variant is predicted to result in the amino acid substitution p.Arg34Pro. To our knowledge, this variant has not been reported in the literature or in a large population database, indicating this variant is rare. At this time, the clinical significance of this variant is uncertain due to the absence of conclusive functional and genetic evidence.